The following is an entry in ClinVar:

NM_000094.4(COL7A1):c.2587+40G>A

Gene: COL7A1 (collagen type VII alpha 1 chain; minus strand). Cytogenetic location: 3p21.31.
Variant type: single nucleotide variant.
Coding change: c.2587+40G>A on transcript NM_000094.4 (MANE Select); 40 bases into the intron after coding-DNA position 2587, G replaced by A.
Molecular consequence: intron variant.
Genome position (GRCh38, 1-based): chr3:48,588,602, C>T on the plus strand (G>A on the coding strand, the complement: COL7A1 is on the minus strand). VCF-style: chr3-48588602-C-T. GRCh37 (hg19) VCF-style: chr3-48626035-C-T.
Other names: c.2587+40G>A (NM_000094.3).
Identifiers: ClinVar variation 1066548 (VCV001066548.10), dbSNP rs1158768165, ClinGen allele CA543046003.

ClinVar aggregate classification (germline): Pathogenic/Likely pathogenic. Review status: criteria provided, multiple submitters, no conflicts (2 of 4 stars). 4 submissions from 4 submitters: Pathogenic (3); Likely pathogenic (1). Last evaluated 2026-04-09.

Conditions:
COL7A1-related disorder. Also called: COL7A1-related condition; COL7A1- related disorders.
Epidermolysis bullosa dystrophica. Also called: Dystrophic epidermolysis bullosa, Hallopeau-Siemens type (formerly); Dystrophic epidermolysis bullosa. Identifiers: Orphanet 303, MedGen C0079294, MONDO:0006543.

Allele frequency attached by ClinVar (database versions not stated): gnomAD 0.00001; gnomAD exomes 0.00001; TOPMed 0.00001.
gnomAD v4.1: 18 of 1,613,582 alleles (0.0011%); highest among the groups gnomAD compares: Non-Finnish European, 0.0015%; no homozygotes.

Submissions (4):

PreventionGenetics, part of Exact Sciences
Classification: Pathogenic for COL7A1-related condition. Last evaluated: 2026-04-09. Review status: criteria provided, single submitter. Criteria: ACMG Guidelines, 2015. Collection method: clinical testing. Allele origin: germline.
Comment: The COL7A1 c.2587+40G>A variant is predicted to interfere with splicing. This variant has been reported in the compound heterozygous state in two siblings with severe dystrophic epidermolysis bullosa (Turczynski et al. 2016. PubMed ID: 26595603). RNA studies showed that this variant leads to altered splicing (Turczynski et al. 2016. PubMed ID: 26595603). This variant is reported in 0.0023% of alleles in individuals of European (Non-Finnish) descent in gnomAD. This variant is interpreted as pathogenic.

Natera, Inc.
Classification: Likely pathogenic for Dystrophic epidermolysis bullosa. Last evaluated: 2025-04-14. Review status: criteria provided, single submitter. Criteria: Natera Variant Classification Schema (03/2026). Collection method: clinical testing. Allele origin: germline.
Comment: The c.2587+40G>A variant in COL7A1 is an intronic variant located outside the canonical splice sites. This variant is rare in the general population with a frequency below the threshold expected for the associated phenotype(s). This variant has been observed in one or more individuals affected with the associated recessive disease, as either homozygous or compound heterozygous with a second variant (PMID: 26595603). Additionally, this variant has been observed to segregate in affected family members (PMID: 26595603). Functional studies show that this variant may disrupt protein function (PMID: 26595603). Given the available evidence, this variant is classified as Likely Pathogenic.

Labcorp Genetics (formerly Invitae), Labcorp
Classification: Pathogenic. Last evaluated: 2025-04-10. Review status: criteria provided, single submitter. Criteria: Invitae Variant Classification Sherloc (09022015). Collection method: clinical testing. Allele origin: germline.
Comment: This sequence change falls in intron 19 of the COL7A1 gene. It does not directly change the encoded amino acid sequence of the COL7A1 protein. RNA analysis indicates that this variant induces altered splicing and may result in an absent or altered protein product. This variant is present in population databases (no rsID available, gnomAD 0.002%). This variant has been observed in individual(s) with autosomal recessive dystrophic epidermolysis bullosa (PMID: 26595603). In at least one individual the data is consistent with being in trans (on the opposite chromosome) from a pathogenic variant. It has also been observed to segregate with disease in related individuals. ClinVar contains an entry for this variant (Variation ID: 1066548). Studies have shown that this variant results in 37 bp insertion from intron 19 into the transcript, and produces a non-functional protein and/or introduces a premature termination codon (PMID: 26595603). For these reasons, this variant has been classified as Pathogenic.

GeneDx
Classification: Pathogenic. Last evaluated: 2019-04-17. Review status: criteria provided, single submitter. Criteria: GeneDx Variant Classification Process June 2021. Collection method: clinical testing. Allele origin: germline. Affected: yes.
Comment: Non-canonical splice site variant; Quantitative RT-PCR revealed nonsense-mediated mRNA decay due to retention of the first 37 nucleotides of intron 19, leading to a frameshift and a premature termination codon in exon 20 (Turczynski et al., 2016); Not observed at a significant frequency in large population cohorts (Lek et al., 2016); This variant is associated with the following publications: (PMID: 26595603)

Literature cited by the submitters: PubMed 26595603 (cited by Natera, Inc. and Labcorp Genetics (formerly Invitae), Labcorp).